The following is an entry in ClinVar:

NM_006361.6(HOXB13):c.646G>A (p.Gly216Ser)

Gene: HOXB13 (homeobox B13; minus strand). Cytogenetic location: 17q21.32.
Variant type: single nucleotide variant.
Coding change: c.646G>A on transcript NM_006361.6 (MANE Select); coding-DNA position 646, G replaced by A.
Protein change: p.Gly216Ser; replaces glycine 216 with serine.
Molecular consequence: missense variant.
Genome position (GRCh38, 1-based): chr17:48,726,999, C>T on the plus strand (G>A on the coding strand, the complement: HOXB13 is on the minus strand). VCF-style: chr17-48726999-C-T. GRCh37 (hg19) VCF-style: chr17-46804361-C-T.
Other names: short protein forms G216S.
Identifiers: ClinVar variation 965839 (VCV000965839.12), dbSNP rs375917549, ClinGen allele CA400106891.
Genomic context (GRCh38, chr17:48,726,999, plus strand): 5'-CATACTCCCGCTCCAGCTCCCGCAACTGCCCCTTGCTGTACGGAATGCGTTTCTTGCGGC[C>T]GCGACGAAAGGCGCAGGCGTCAGGAGGGTGCTGCCCGCTGGAGTCTGCGCGGCGTGAAAG-3'
Protein context (NP_006352.2, residues 206-226): HPPDACAFRR[Gly216Ser]RKKRIPYSKG

ClinVar aggregate classification (germline): Uncertain significance. Review status: criteria provided, multiple submitters, no conflicts (2 of 4 stars). 2 submissions from 2 submitters: Uncertain significance (2). Last evaluated 2025-04-07.

Conditions:
Hereditary cancer-predisposing syndrome. Also called: Hereditary neoplastic syndrome; Neoplastic Syndromes, Hereditary; Hereditary Cancer Syndrome; Tumor predisposition. Identifiers: Orphanet 140162, MedGen C0027672, MeSH D009386, MONDO:0015356.

Submissions (2):

Labcorp Genetics (formerly Invitae), Labcorp
Classification: Uncertain significance. Last evaluated: 2025-04-07. Review status: criteria provided, single submitter. Criteria: Invitae Variant Classification Sherloc (09022015). Collection method: clinical testing. Allele origin: germline.
Comment: This sequence change replaces glycine, which is neutral and non-polar, with serine, which is neutral and polar, at codon 216 of the HOXB13 protein (p.Gly216Ser). This variant is not present in population databases (gnomAD no frequency). This variant has not been reported in the literature in individuals affected with HOXB13-related conditions. ClinVar contains an entry for this variant (Variation ID: 965839). Invitae Evidence Modeling of protein sequence and biophysical properties (such as structural, functional, and spatial information, amino acid conservation, physicochemical variation, residue mobility, and thermodynamic stability) indicates that this missense variant is not expected to disrupt HOXB13 protein function with a negative predictive value of 80%. Algorithms developed to predict the effect of sequence changes on RNA splicing suggest that this variant may create or strengthen a splice site. In summary, the available evidence is currently insufficient to determine the role of this variant in disease. Therefore, it has been classified as a Variant of Uncertain Significance.

Ambry Genetics
Classification: Uncertain significance for Hereditary cancer-predisposing syndrome. Last evaluated: 2023-10-15. Review status: criteria provided, single submitter. Criteria: Ambry Variant Classification Scheme 2023. Collection method: clinical testing. Allele origin: germline.
Comment: The p.G216S variant (also known as c.646G>A), located in coding exon 2 of the HOXB13 gene, results from a G to A substitution at nucleotide position 646. The glycine at codon 216 is replaced by serine, an amino acid with similar properties. This amino acid position is conserved. In addition, this alteration is predicted to be deleterious by in silico analysis. Since supporting evidence is limited at this time, the clinical significance of this alteration remains unclear.